The following is an entry in ClinVar:

ClinVar aggregate classification (germline): Benign. Review status: criteria provided, multiple submitters, no conflicts (2 of 4 stars). 2 submissions from 2 submitters: Benign (2). Last evaluated 2018-06-14.

Allele frequency attached by ClinVar (database versions not stated): 1000 Genomes Project 0.18690; 1000 Genomes Project 30x 0.19051; gnomAD exomes 0.21656; gnomAD 0.22176 and 0.22804; TOPMed 0.22717.
gnomAD v4.1: 299,761 of 1,381,452 alleles (22%); highest among the groups gnomAD compares: African/African-American, 26%; 34,058 homozygotes.

Submissions (2):

GeneDx
Classification: Benign. Last evaluated: 2018-06-14. Review status: criteria provided, single submitter. Criteria: GeneDx Variant Classification (06012015). Collection method: clinical testing. Allele origin: germline. Affected: yes.
Comment: This variant is considered likely benign or benign based on one or more of the following criteria: it is a conservative change, it occurs at a poorly conserved position in the protein, it is predicted to be benign by multiple in silico algorithms, and/or has population frequency not consistent with disease.

Breakthrough Genomics
Classification: Benign. Review status: criteria provided, single submitter. Criteria: ACMG Guidelines, 2015. Collection method: not provided. Allele origin: germline. Inheritance: Autosomal dominant inheritance. Affected: yes.

NM_000069.3(CACNA1S):c.1393+91A>G

Gene: CACNA1S (calcium voltage-gated channel subunit alpha1 S; minus strand). Cytogenetic location: 1q32.1.
Variant type: single nucleotide variant.
Coding change: c.1393+91A>G on transcript NM_000069.3 (MANE Select); 91 bases into the intron after coding-DNA position 1393, A replaced by G.
Molecular consequence: intron variant.
Genome position (GRCh38, 1-based): chr1:201,083,071, T>C on the plus strand (A>G on the coding strand, the complement: CACNA1S is on the minus strand). VCF-style: chr1-201083071-T-C. GRCh37 (hg19) VCF-style: chr1-201052199-T-C.
Identifiers: ClinVar variation 678296 (VCV000678296.2), dbSNP rs3767511, ClinGen allele CA10889195.
Genomic context (GRCh38, chr1:201,083,071, plus strand): 5'-TAATCCAGCACTCATGGTCCATAATTTTTAGAAAAATGATGTCAATATCTAATTGACCTC[T>C]TCTGCACAACCTGTGGTGCCATTGGCTGATTTTGACATCAAGCCACAGCCACATGTGCCC-3'